The following is an entry in ClinVar:

NM_001061.7(TBXAS1):c.878G>A (p.Gly293Asp)

Gene: TBXAS1 (thromboxane A synthase 1; plus strand). Cytogenetic location: 7q34.
Variant type: single nucleotide variant.
Coding change: c.878G>A on transcript NM_001061.7 (MANE Select); coding-DNA position 878, G replaced by A.
Protein change: p.Gly293Asp; replaces glycine 293 with aspartic acid.
Molecular consequence: missense variant.
Genome position (GRCh38, 1-based): chr7:139,961,977, G>A. VCF-style: chr7-139961977-G-A. GRCh37 (hg19) VCF-style: chr7-139661776-G-A.
Other names: c.878G>A, p.Gly293Asp (NM_001130966.5, NM_030984.6); c.1016G>A, p.Gly339Asp (NM_001166253.4); c.677G>A, p.Gly226Asp (NM_001166254.4); c.821G>A, p.Gly274Asp (NM_001314028.4); c.695G>A, p.Gly232Asp (NM_001366537.3); short protein forms G294D, G340D, G232D, G226D, G274D, G293D, G339D.
Identifiers: ClinVar variation 1984235 (VCV001984235.1), dbSNP rs758689918, ClinGen allele CA4511837.

ClinVar aggregate classification (germline): Uncertain significance (1 of 4 stars; one submission).

Allele frequency attached by ClinVar (database versions not stated): gnomAD exomes below 0.00001; ExAC 0.00001.
gnomAD v4.1: 1 of 1,614,240 alleles (0.000062%); highest among the groups gnomAD compares: South Asian, 0.0011%; no homozygotes.

Submission:

Labcorp Genetics (formerly Invitae), Labcorp
Classification: Uncertain significance. Last evaluated: 2022-07-11. Review status: criteria provided, single submitter. Criteria: Invitae Variant Classification Sherloc (09022015). Collection method: clinical testing. Allele origin: germline.
Comment: This sequence change replaces glycine, which is neutral and non-polar, with aspartic acid, which is acidic and polar, at codon 294 of the TBXAS1 protein (p.Gly294Asp). This variant is present in population databases (rs758689918, gnomAD 0.003%). This variant has not been reported in the literature in individuals affected with TBXAS1-related conditions. Algorithms developed to predict the effect of missense changes on protein structure and function output the following: SIFT: "Deleterious"; PolyPhen-2: "Benign"; Align-GVGD: "Class C0". The aspartic acid amino acid residue is found in multiple mammalian species, which suggests that this missense change does not adversely affect protein function. In summary, the available evidence is currently insufficient to determine the role of this variant in disease. Therefore, it has been classified as a Variant of Uncertain Significance.